The following is an entry in ClinVar:

ClinVar aggregate classification (germline): Uncertain significance (1 of 4 stars; one submission).

Conditions:
PLXNA3-related disorder. Also called: PLXNA3-related condition.

gnomAD v4.1: 1 of 1,187,968 alleles (0.000084%); highest among the groups gnomAD compares: Admixed American, 0.0022%; no homozygotes.

Submission:

PreventionGenetics, part of Exact Sciences
Classification: Uncertain significance for PLXNA3-related condition. Last evaluated: 2026-08-26. Review status: criteria provided, single submitter. Criteria: ACMG Guidelines, 2015. Collection method: clinical testing. Allele origin: germline.
Comment: The PLXNA3 c.3416A>G variant is predicted to result in the amino acid substitution p.Lys1139Arg. To our knowledge, this variant has not been reported in the literature. This variant is reported in 0.0038% of alleles in individuals of Latino descent in gnomAD. At this time, the clinical significance of this variant is uncertain due to the absence of conclusive functional and genetic evidence.

NM_017514.5(PLXNA3):c.3416A>G (p.Lys1139Arg)

Gene: PLXNA3 (plexin A3; plus strand). Cytogenetic location: Xq28.
Variant type: single nucleotide variant.
Coding change: c.3416A>G on transcript NM_017514.5 (MANE Select); coding-DNA position 3416, A replaced by G.
Protein change: p.Lys1139Arg; replaces lysine 1139 with arginine.
Molecular consequence: missense variant.
Genome position (GRCh38, 1-based): chrX:154,467,446, A>G. VCF-style: chrX-154467446-A-G. GRCh37 (hg19) VCF-style: chrX-153695789-A-G.
Other names: short protein forms K1139R.
Identifiers: ClinVar variation 4983514 (VCV004983514.1).